The following is an entry in ClinVar:

ClinVar aggregate classification (germline): Uncertain significance. Review status: criteria provided, multiple submitters, no conflicts (2 of 4 stars). 2 submissions from 2 submitters: Uncertain significance (2). Last evaluated 2026-09-02.

Conditions:
Inborn genetic diseases. Identifiers: MedGen C0950123, MeSH D030342.

Allele frequency attached by ClinVar (database versions not stated): gnomAD 0.00001; gnomAD exomes 0.00001 and 0.00002; ExAC 0.00002; 1000 Genomes Project 30x 0.00016; 1000 Genomes Project 0.00020.
gnomAD v4.1: 14 of 1,611,422 alleles (0.00087%); highest among the groups gnomAD compares: Middle Eastern, 0.042%; no homozygotes.

Submissions (2):

GeneDx
Classification: Uncertain significance. Last evaluated: 2026-09-02. Review status: criteria provided, single submitter. Criteria: GeneDx Variant Classification Process June 2021. Collection method: clinical testing. Allele origin: germline.
Comment: Has not been previously published as pathogenic or benign to our knowledge; Not observed at significant frequency in large population cohorts (gnomAD); In silico analysis supports that this missense variant has a deleterious effect on protein structure/function

Ambry Genetics
Classification: Uncertain significance for Inborn genetic diseases. Last evaluated: 2024-10-26. Review status: criteria provided, single submitter. Criteria: Ambry Variant Classification Scheme 2023. Collection method: clinical testing. Allele origin: germline.

NM_018238.4(AGK):c.108C>A (p.Asn36Lys)

Gene: AGK (acylglycerol kinase; plus strand). Cytogenetic location: 7q34.
Variant type: single nucleotide variant.
Coding change: c.108C>A on transcript NM_018238.4 (MANE Select); coding-DNA position 108, C replaced by A.
Protein change: p.Asn36Lys; replaces asparagine 36 with lysine.
Molecular consequence: missense variant.
Genome position (GRCh38, 1-based): chr7:141,593,152, C>A. VCF-style: chr7-141593152-C-A. GRCh37 (hg19) VCF-style: chr7-141292952-C-A.
Other names: p.N36K:AAC>AAA; c.108C>A, p.Asn36Lys (NM_001364948.3); short protein forms N36K.
Identifiers: ClinVar variation 214073 (VCV000214073.4), dbSNP rs199611875, ClinGen allele CA325013.